The following is an entry in ClinVar:

ClinVar aggregate classification (germline): Likely pathogenic (1 of 4 stars; one submission).

Submission:

GeneDx
Classification: Likely pathogenic. Last evaluated: 2024-11-13. Review status: criteria provided, single submitter. Criteria: GeneDx Variant Classification Process June 2021. Collection method: clinical testing. Allele origin: germline. Affected: yes.
Comment: Published functional studies suggest a damaging effect (PMID: 32169219); Not observed at significant frequency in large population cohorts (gnomAD); Also known as ZRS 401A>G, French 4; This variant is associated with the following publications: (PMID: 32169219)

NM_022458.4(LMBR1):c.423+4914A>G

Genes: LMBR1 (limb development membrane protein 1; minus strand), ZRS (ZPA regulatory sequence; plus strand). Cytogenetic location: 7q36.3.
Variant type: single nucleotide variant.
Coding change: c.423+4914A>G on transcript NM_022458.4 (MANE Select); 4914 bases into the intron after coding-DNA position 423, A replaced by G.
Molecular consequence: intron variant.
Genome position (GRCh38, 1-based): chr7:156,791,475, T>C on the plus strand (A>G on the coding strand, the complement: LMBR1 is on the minus strand). VCF-style: chr7-156791475-T-C. GRCh37 (hg19) VCF-style: chr7-156584169-T-C.
Other names: c.360+4914A>G (NM_001363412.2); c.144+4914A>G (NM_001350954.2); c.423+4914A>G (NM_001363410.2, NM_001363409.2, NM_001350953.2); c.-112+4914A>G (NM_001350958.2, NM_001350956.2, NM_001350955.2 and 1 more transcripts); c.54+4914A>G (NM_001350957.2, NM_001363411.2).
Identifiers: ClinVar variation 3899562 (VCV003899562.1).
Genomic context (GRCh38, chr7:156,791,475, plus strand): 5'-ATGGAGGCCTGATACAAATTAGCCACTGGGGGGAAAAAGTCATCTGGTCATAAAATACAG[T>C]ACAAGGTCACTTTTATGTAAGTTTGCCAAAAGGGACATAAACCAGGACAATTTCAAACTG-3'